The following is an entry in ClinVar:

ClinVar aggregate classification (germline): Pathogenic. Review status: criteria provided, multiple submitters, no conflicts (2 of 4 stars). 4 submissions from 4 submitters: Pathogenic (4). Last evaluated 2025-05-25.

Conditions:
Hereditary cancer-predisposing syndrome. Also called: Tumor predisposition; Hereditary neoplastic syndrome; Neoplastic Syndromes, Hereditary; Hereditary Cancer Syndrome. Identifiers: Orphanet 140162, MedGen C0027672, MeSH D009386, MONDO:0015356.
Familial cancer of breast. Also called: Hereditary breast cancer; BREAST CANCER, FAMILIAL; hereditary breast carcinoma. Identifiers: Orphanet 227535, MedGen C0346153, MONDO:0016419, OMIM 114480. Disease mechanism: loss of function.
Ataxia-telangiectasia syndrome (AT). Also called: Ataxia-telangiectasia, complementation group D; AT, COMPLEMENTATION GROUP C; ATAXIA-TELANGIECTASIA, COMPLEMENTATION GROUP A; ATAXIA-TELANGIECTASIA, FRESNO VARIANT; Ataxia-telangiectasia; LOUIS-BAR SYNDROME. Identifiers: Orphanet 100, MedGen C0004135, MONDO:0008840, OMIM 208900.

Submissions (4):

Labcorp Genetics (formerly Invitae), Labcorp
Classification: Pathogenic for Ataxia-telangiectasia syndrome. Last evaluated: 2025-05-25. Review status: criteria provided, single submitter. Criteria: Invitae Variant Classification Sherloc (09022015). Collection method: clinical testing. Allele origin: germline.
Comment: This sequence change creates a premature translational stop signal (p.Gln2002*) in the ATM gene. It is expected to result in an absent or disrupted protein product. Loss-of-function variants in ATM are known to be pathogenic (PMID: 23807571, 25614872). This variant is not present in population databases (gnomAD no frequency). This premature translational stop signal has been observed in individual(s) with ataxia-telangiectasia (PMID: 15390180). ClinVar contains an entry for this variant (Variation ID: 627883). Algorithms developed to predict the effect of sequence changes on RNA splicing suggest that this variant may disrupt the consensus splice site. For these reasons, this variant has been classified as Pathogenic.

Ambry Genetics
Classification: Pathogenic for Hereditary cancer-predisposing syndrome. Last evaluated: 2024-05-06. Review status: criteria provided, single submitter. Criteria: Ambry Variant Classification Scheme 2023. Collection method: clinical testing. Allele origin: germline.
Comment: The p.Q2002* pathogenic mutation (also known as c.6004C>T), located in coding exon 39 of the ATM gene, results from a C to T substitution at nucleotide position 6004. This changes the amino acid from a glutamine to a stop codon within coding exon 39. Two functional studies demonstrate that this mutation impairs ATM protein function and reduces ATM mRNA and protein levels (Fernet M et al. Br. J. Cancer. 2004 Feb;90:866-73; Guti&eacute;rrez-Enr&iacute;quez S et al. Genes Chromosomes Cancer. 2004 Jun;40:109-19). In addition to the clinical data presented in the literature, this alteration is expected to result in loss of function by premature protein truncation or nonsense-mediated mRNA decay. As such, this alteration is interpreted as a disease-causing mutation.

Myriad Genetics, Inc.
Classification: Pathogenic for Familial cancer of breast. Last evaluated: 2024-01-26. Review status: criteria provided, single submitter. Criteria: Myriad Autosomal Dominant, Autosomal Recessive and X-Linked Classification Criteria (2023). Collection method: clinical testing. Allele origin: unknown.
Comment: This variant is considered pathogenic. This variant creates a termination codon and is predicted to result in premature protein truncation.

Color Diagnostics, LLC DBA Color Health
Classification: Pathogenic for Hereditary cancer-predisposing syndrome. Last evaluated: 2020-01-15. Review status: criteria provided, single submitter. Criteria: ACMG Guidelines, 2015. Collection method: clinical testing. Allele origin: germline.
Comment: This variant is located in the ATM protein. Splice site prediction tools suggest that this variant may not impact RNA splicing. This variant has not been identified in the general population by the Genome Aggregation Database (gnomAD). Loss of ATM function is a known mechanism of disease. Based on the available evidence, this variant is classified as Pathogenic.

Literature cited by the submitters: PubMed 23807571 (cited by Labcorp Genetics (formerly Invitae), Labcorp); PubMed 25614872 (cited by Labcorp Genetics (formerly Invitae), Labcorp); PubMed 15390180 (cited by Labcorp Genetics (formerly Invitae), Labcorp); PubMed 14970866 (cited by Ambry Genetics); PubMed 15101044 (cited by Ambry Genetics); PubMed 25525159 (cited by Ambry Genetics).

NM_000051.4(ATM):c.6004C>T (p.Gln2002Ter)

Genes: ATM (ATM serine/threonine kinase; plus strand), C11orf65 (chromosome 11 open reading frame 65; minus strand). Cytogenetic location: 11q22.3.
Variant type: single nucleotide variant.
Coding change: c.6004C>T on transcript NM_000051.4 (MANE Select); coding-DNA position 6004, C replaced by T.
Protein change: p.Gln2002Ter; replaces glutamine 2002 with a stop codon.
Molecular consequence: nonsense. On other transcripts: intron variant (2).
Genome position (GRCh38, 1-based): chr11:108,312,496, C>T. VCF-style: chr11-108312496-C-T. GRCh37 (hg19) VCF-style: chr11-108183223-C-T.
Other names: c.6004C>T, p.Gln2002Ter (NM_001351834.2); c.641-3425G>A (NM_001330368.2); c.*39-3425G>A (NM_001351110.2); short protein forms Q2002*.
Identifiers: ClinVar variation 627883 (VCV000627883.17), dbSNP rs201136510, ClinGen allele CA228398364.
Genomic context (GRCh38, chr11:108,312,496, plus strand): 5'-CAGAGTACAACTATTTCTAGCTTGAGTGAAAAAAGTAAAGAAGAAACTGGAATAAGTTTA[C>T]AGGTAAATATTAGAGGCTCTATTATTTATGACAGTATTTATCTCATACTTTGGGTTATTT-3'